The following is an entry in ClinVar:

NM_003072.5(SMARCA4):c.2347C>T (p.Leu783=)

Gene: SMARCA4 (SWI/SNF related BAF chromatin remodeling complex subunit ATPase 4; plus strand). Cytogenetic location: 19p13.2.
Variant type: single nucleotide variant.
Coding change: c.2347C>T on transcript NM_003072.5 (MANE Select); coding-DNA position 2347, C replaced by T.
Protein change: p.Leu783=; no amino-acid change (leucine 783 retained).
Molecular consequence: synonymous variant. On other transcripts: non-coding transcript variant (1).
Genome position (GRCh38, 1-based): chr19:11,013,021, C>T. VCF-style: chr19-11013021-C-T. GRCh37 (hg19) VCF-style: chr19-11123697-C-T.
Other names: c.2347C>T, p.Leu783= (NM_001128844.3, NM_001128845.2, NM_001128846.2 and 5 more transcripts).
Identifiers: ClinVar variation 415142 (VCV000415142.21), dbSNP rs762449855, ClinGen allele CA9204087.

ClinVar aggregate classification (germline): Benign/Likely benign. Review status: criteria provided, multiple submitters, no conflicts (2 of 4 stars). 6 submissions from 6 submitters: Benign (5); Likely benign (1). Last evaluated 2026-07-13.

Conditions:
Hereditary cancer-predisposing syndrome. Also called: Hereditary Cancer Syndrome; Hereditary neoplastic syndrome; Neoplastic Syndromes, Hereditary; Tumor predisposition. Identifiers: Orphanet 140162, MedGen C0027672, MeSH D009386, MONDO:0015356.
Rhabdoid tumor predisposition syndrome 2 (RTPS2). Identifiers: Orphanet 231108, Orphanet 69077, MedGen C2750074, MONDO:0013224, OMIM 613325.
Intellectual disability, autosomal dominant 16 (CSS4). Also called: COFFIN-SIRIS SYNDROME 4. Identifiers: Orphanet 1465, MedGen C3553249, MONDO:0013821, OMIM 614609.

Allele frequency attached by ClinVar (database versions not stated): ExAC 0.00013; gnomAD exomes 0.00005 and 0.00014; gnomAD 0.00001.
gnomAD v4.1: 79 of 1,614,002 alleles (0.0049%); highest among the groups gnomAD compares: South Asian, 0.079%; no homozygotes.

Submissions (6):

Myriad Genetics, Inc.
Classification: Benign for Rhabdoid tumor predisposition syndrome 2. Last evaluated: 2026-07-13. Review status: criteria provided, single submitter. Criteria: Myriad Autosomal Dominant, Autosomal Recessive and X-Linked Classification Criteria (2023). Collection method: clinical testing. Allele origin: unknown.
Comment: This variant is considered benign. This variant is a silent/synonymous amino acid change and it is not expected to impact splicing.

Labcorp Genetics (formerly Invitae), Labcorp
Classification: Benign for Rhabdoid tumor predisposition syndrome 2. Last evaluated: 2025-12-08. Review status: criteria provided, single submitter. Criteria: Invitae Variant Classification Sherloc (09022015). Collection method: clinical testing. Allele origin: germline.

Quest Diagnostics Nichols Institute San Juan Capistrano
Classification: Benign. Last evaluated: 2025-04-22. Review status: criteria provided, single submitter. Criteria: Quest Diagnostics criteria. Collection method: clinical testing. Allele origin: unknown.

Sema4
Classification: Benign for Hereditary cancer-predisposing syndrome. Last evaluated: 2022-03-10. Review status: criteria provided, single submitter. Criteria: Sema4 Curation Guidelines. Collection method: curation. Allele origin: germline.

Genome-Nilou Lab
Classification: Benign for Intellectual disability, autosomal dominant 16. Last evaluated: 2021-07-15. Review status: criteria provided, single submitter. Criteria: ACMG Guidelines, 2015. Collection method: clinical testing. Allele origin: germline. Affected: no.

Ambry Genetics
Classification: Likely benign for Hereditary cancer-predisposing syndrome. Last evaluated: 2016-05-21. Review status: criteria provided, single submitter. Criteria: Ambry Variant Classification Scheme 2023. Collection method: clinical testing. Allele origin: germline.